The following is an entry in ClinVar:

NM_000051.4(ATM):c.992A>G (p.Lys331Arg)

Gene: ATM (ATM serine/threonine kinase; plus strand). Cytogenetic location: 11q22.3.
Variant type: single nucleotide variant.
Coding change: c.992A>G on transcript NM_000051.4 (MANE Select); coding-DNA position 992, A replaced by G.
Protein change: p.Lys331Arg; replaces lysine 331 with arginine.
Molecular consequence: missense variant.
Genome position (GRCh38, 1-based): chr11:108,247,054, A>G. VCF-style: chr11-108247054-A-G. GRCh37 (hg19) VCF-style: chr11-108117781-A-G.
Other names: c.992A>G, p.Lys331Arg (NM_001351834.2); short protein forms K331R.
Identifiers: ClinVar variation 1768632 (VCV001768632.2), dbSNP rs2079885179, ClinGen allele CA382531281.

ClinVar aggregate classification (germline): Uncertain significance (1 of 4 stars; one submission).

Conditions:
Hereditary cancer-predisposing syndrome. Also called: Hereditary Cancer Syndrome; Hereditary neoplastic syndrome; Neoplastic Syndromes, Hereditary; Tumor predisposition. Identifiers: Orphanet 140162, MedGen C0027672, MeSH D009386, MONDO:0015356.

Submission:

Ambry Genetics
Classification: Uncertain significance for Hereditary cancer-predisposing syndrome. Last evaluated: 2020-05-14. Review status: criteria provided, single submitter. Criteria: Ambry Variant Classification Scheme 2023. Collection method: clinical testing. Allele origin: germline.
Comment: The p.K331R variant (also known as c.992A>G), located in coding exon 7 of the ATM gene, results from an A to G substitution at nucleotide position 992. The lysine at codon 331 is replaced by arginine, an amino acid with highly similar properties. This amino acid position is highly conserved in available vertebrate species. In addition, the in silico prediction for this alteration is inconclusive. Since supporting evidence is limited at this time, the clinical significance of this alteration remains unclear.